The following is an entry in ClinVar:

NM_001195553.2(DCX):c.562G>A (p.Gly188Arg)

Gene: DCX (doublecortin; minus strand). Cytogenetic location: Xq23.
Variant type: single nucleotide variant.
Coding change: c.562G>A on transcript NM_001195553.2 (MANE Select); coding-DNA position 562, G replaced by A.
Protein change: p.Gly188Arg; replaces glycine 188 with arginine.
Molecular consequence: missense variant.
Genome position (GRCh38, 1-based): chrX:111,401,133, C>T on the plus strand (G>A on the coding strand, the complement: DCX is on the minus strand). VCF-style: chrX-111401133-C-T. GRCh37 (hg19) VCF-style: chrX-110644361-C-T.
Other names: c.805G>A, p.Gly269Arg (NM_000555.3); c.562G>A, p.Gly188Arg (NM_001369370.1, NM_001369371.1, NM_001369372.1 and 5 more transcripts); short protein forms G188R, G269R.
Identifiers: ClinVar variation 1473135 (VCV001473135.6), dbSNP rs2147262967, ClinGen allele CA414246093.

ClinVar aggregate classification (germline): Uncertain significance (1 of 4 stars; one submission).

Submission:

Labcorp Genetics (formerly Invitae), Labcorp
Classification: Uncertain significance. Last evaluated: 2021-11-22. Review status: criteria provided, single submitter. Criteria: Invitae Variant Classification Sherloc (09022015). Collection method: clinical testing. Allele origin: germline.
Comment: This sequence change replaces glycine, which is neutral and non-polar, with arginine, which is basic and polar, at codon 188 of the DCX protein (p.Gly188Arg). Algorithms developed to predict the effect of missense changes on protein structure and function (SIFT, PolyPhen-2, Align-GVGD) all suggest that this variant is likely to be disruptive. This variant has not been reported in the literature in individuals affected with DCX-related conditions. This variant is not present in population databases (gnomAD no frequency). Algorithms developed to predict the effect of sequence changes on RNA splicing suggest that this variant may create or strengthen a splice site. In summary, the available evidence is currently insufficient to determine the role of this variant in disease. Therefore, it has been classified as a Variant of Uncertain Significance.